The following is an entry in ClinVar:

NM_181882.3(PRX):c.1616C>T (p.Pro539Leu)

Gene: PRX (periaxin; minus strand). Cytogenetic location: 19q13.2.
Variant type: single nucleotide variant.
Coding change: c.1616C>T on transcript NM_181882.3 (MANE Select); coding-DNA position 1616, C replaced by T.
Protein change: p.Pro539Leu; replaces proline 539 with leucine.
Molecular consequence: missense variant. On other transcripts: 3 prime UTR variant (1).
Genome position (GRCh38, 1-based): chr19:40,396,736, G>A on the plus strand (C>T on the coding strand, the complement: PRX is on the minus strand). VCF-style: chr19-40396736-G-A. GRCh37 (hg19) VCF-style: chr19-40902643-G-A.
Other names: c.*1821C>T (NM_020956.2); short protein forms P539L.
Identifiers: ClinVar variation 1372231 (VCV001372231.5), dbSNP rs762424034, ClinGen allele CA9444231.

ClinVar aggregate classification (germline): Uncertain significance. Review status: criteria provided, multiple submitters, no conflicts (2 of 4 stars). 2 submissions from 2 submitters: Uncertain significance (2). Last evaluated 2022-07-22.

Conditions:
Inborn genetic diseases. Identifiers: MedGen C0950123, MeSH D030342.
Charcot-Marie-Tooth disease type 4. Also called: Charcot-Marie-Tooth disease, type IV; Charcot-Marie-Tooth, Type 4. Identifiers: Orphanet 64749, MedGen C4082197, MONDO:0018995.

Allele frequency attached by ClinVar (database versions not stated): ExAC 0.00001; gnomAD 0.00001; gnomAD exomes 0.00001 and 0.00002; TOPMed 0.00001.

Submissions (2):

Ambry Genetics
Classification: Uncertain significance for Inborn genetic diseases. Last evaluated: 2022-07-22. Review status: criteria provided, single submitter. Criteria: Ambry Variant Classification Scheme 2023. Collection method: clinical testing. Allele origin: germline.
Comment: The p.P539L variant (also known as c.1616C>T), located in coding exon 4 of the PRX gene, results from a C to T substitution at nucleotide position 1616. The proline at codon 539 is replaced by leucine, an amino acid with similar properties. This amino acid position is not well conserved in available vertebrate species. In addition, this alteration is predicted to be tolerated by in silico analysis. Since supporting evidence is limited at this time, the clinical significance of this alteration remains unclear.

Labcorp Genetics (formerly Invitae), Labcorp
Classification: Uncertain significance for Charcot-Marie-Tooth disease type 4. Last evaluated: 2021-09-26. Review status: criteria provided, single submitter. Criteria: Invitae Variant Classification Sherloc (09022015). Collection method: clinical testing. Allele origin: germline.
Comment: This sequence change replaces proline with leucine at codon 539 of the PRX protein (p.Pro539Leu). The proline residue is weakly conserved and there is a moderate physicochemical difference between proline and leucine. This variant is present in population databases (rs762424034, ExAC 0.002%). This variant has not been reported in the literature in individuals affected with PRX-related conditions. Algorithms developed to predict the effect of missense changes on protein structure and function are either unavailable or do not agree on the potential impact of this missense change (SIFT: "Deleterious"; PolyPhen-2: "Possibly Damaging"; Align-GVGD: "Class C0"). In summary, the available evidence is currently insufficient to determine the role of this variant in disease. Therefore, it has been classified as a Variant of Uncertain Significance.